The following is an entry in ClinVar:

ClinVar aggregate classification (germline): Uncertain significance. Review status: criteria provided, multiple submitters, no conflicts (2 of 4 stars). 5 submissions from 5 submitters: Uncertain significance (5). Last evaluated 2025-10-23.

Conditions:
Hereditary cancer-predisposing syndrome. Also called: Neoplastic Syndromes, Hereditary; Tumor predisposition; Hereditary Cancer Syndrome; Hereditary neoplastic syndrome. Identifiers: Orphanet 140162, MedGen C0027672, MeSH D009386, MONDO:0015356.
Peutz-Jeghers syndrome (PJS). Also called: Peutz-Jeghers polyposis; Periorificial lentiginosis syndrome; POLYPOSIS, HAMARTOMATOUS INTESTINAL; POLYPS-AND-SPOTS SYNDROME. Identifiers: Orphanet 2869, MedGen C0031269, MeSH D010580, MONDO:0008280, OMIM 175200.

Allele frequency attached by ClinVar (database versions not stated): TOPMed below 0.00001.

Submissions (5):

Ambry Genetics
Classification: Uncertain significance for Hereditary cancer-predisposing syndrome. Last evaluated: 2025-10-23. Review status: criteria provided, single submitter. Criteria: Ambry Variant Classification Scheme 2023. Collection method: clinical testing. Allele origin: germline.
Comment: The p.T250A variant (also known as c.748A>G), located in coding exon 6 of the STK11 gene, results from an A to G substitution at nucleotide position 748. The threonine at codon 250 is replaced by alanine, an amino acid with similar properties. This amino acid position is highly conserved in available vertebrate species. In addition, this alteration is predicted to be deleterious by in silico analysis. Since supporting evidence is limited at this time, the clinical significance of this alteration remains unclear.

Color Diagnostics, LLC DBA Color Health
Classification: Uncertain significance for Hereditary cancer-predisposing syndrome. Last evaluated: 2025-10-20. Review status: criteria provided, single submitter. Criteria: ACMG Guidelines, 2015. Collection method: clinical testing. Allele origin: germline.
Comment: This missense variant replaces threonine with alanine at codon 250 of the STK11 protein. Computational prediction suggests that this variant may have deleterious impact on protein structure and function. To our knowledge, functional studies have not been reported for this variant. This variant has not been reported in individuals affected with STK11-related disorders in the literature. This variant has not been identified in the general population by the Genome Aggregation Database (gnomAD). The available evidence is insufficient to determine the role of this variant in disease conclusively. Therefore, this variant is classified as a Variant of Uncertain Significance.

Labcorp Genetics (formerly Invitae), Labcorp
Classification: Uncertain significance for Peutz-Jeghers syndrome. Last evaluated: 2024-05-19. Review status: criteria provided, single submitter. Criteria: Invitae Variant Classification Sherloc (09022015). Collection method: clinical testing. Allele origin: germline.
Comment: This sequence change replaces threonine, which is neutral and polar, with alanine, which is neutral and non-polar, at codon 250 of the STK11 protein (p.Thr250Ala). This variant is not present in population databases (gnomAD no frequency). This variant has not been reported in the literature in individuals affected with STK11-related conditions. ClinVar contains an entry for this variant (Variation ID: 566431). Advanced modeling of protein sequence and biophysical properties (such as structural, functional, and spatial information, amino acid conservation, physicochemical variation, residue mobility, and thermodynamic stability) performed at Invitae indicates that this missense variant is expected to disrupt STK11 protein function with a positive predictive value of 95%. In summary, the available evidence is currently insufficient to determine the role of this variant in disease. Therefore, it has been classified as a Variant of Uncertain Significance.

Department of Pathology and Laboratory Medicine, Sinai Health System
Classification: Uncertain significance for Peutz-Jeghers syndrome. Last evaluated: 2021-12-08. Review status: criteria provided, single submitter. Criteria: ACMG Guidelines, 2015. Collection method: clinical testing. Allele origin: germline. Affected: yes.

Genome-Nilou Lab
Classification: Uncertain significance for Peutz-Jeghers syndrome. Last evaluated: 2021-07-15. Review status: criteria provided, single submitter. Criteria: ACMG Guidelines, 2015. Collection method: clinical testing. Allele origin: germline. Affected: no.

NM_000455.5(STK11):c.748A>G (p.Thr250Ala)

Gene: STK11 (serine/threonine kinase 11; plus strand). Cytogenetic location: 19p13.3.
Variant type: single nucleotide variant.
Coding change: c.748A>G on transcript NM_000455.5 (MANE Select); coding-DNA position 748, A replaced by G.
Protein change: p.Thr250Ala; replaces threonine 250 with alanine.
Molecular consequence: missense variant.
Genome position (GRCh38, 1-based): chr19:1,221,226, A>G. VCF-style: chr19-1221226-A-G. GRCh37 (hg19) VCF-style: chr19-1221225-A-G.
Other names: short protein forms T250A.
Identifiers: ClinVar variation 566431 (VCV000566431.18), dbSNP rs1568709142, ClinGen allele CA402950361.